The following is an entry in ClinVar:

NM_032119.4(ADGRV1):c.4575C>A (p.Phe1525Leu)

Gene: ADGRV1 (adhesion G protein-coupled receptor V1; plus strand). Cytogenetic location: 5q14.3.
Variant type: single nucleotide variant.
Coding change: c.4575C>A on transcript NM_032119.4 (MANE Select); coding-DNA position 4575, C replaced by A.
Protein change: p.Phe1525Leu; replaces phenylalanine 1525 with leucine.
Molecular consequence: missense variant. On other transcripts: non-coding transcript variant (1).
Genome position (GRCh38, 1-based): chr5:90,658,101, C>A. VCF-style: chr5-90658101-C-A. GRCh37 (hg19) VCF-style: chr5-89953918-C-A.
Other names: short protein forms F1525L.
Identifiers: ClinVar variation 1316076 (VCV001316076.2), dbSNP rs1415002610, ClinGen allele CA360404163.

ClinVar aggregate classification (germline): Uncertain significance (1 of 4 stars; one submission).

Allele frequency attached by ClinVar (database versions not stated): gnomAD exomes below 0.00001 and 0.00001; gnomAD 0.00001.

Submission:

GeneDx
Classification: Uncertain significance. Last evaluated: 2020-01-30. Review status: criteria provided, single submitter. Criteria: GeneDx Variant Classification Process June 2021. Collection method: clinical testing. Allele origin: germline. Affected: yes.
Comment: Not observed at a significant frequency in large population cohorts (Lek et al., 2016); In silico analysis supports that this missense variant does not alter protein structure/function; Has not been previously published as pathogenic or benign to our knowledge